The following is an entry in ClinVar:

ClinVar aggregate classification (germline): Uncertain significance. Review status: criteria provided, multiple submitters, no conflicts (2 of 4 stars). 6 submissions from 6 submitters: Uncertain significance (6). Last evaluated 2024-10-01.

Conditions:
ABCA4-related disorder. Also called: ABCA4-related condition; ABCA4-related disorders. Identifiers: MedGen CN239167.
Retinitis pigmentosa (RP). Identifiers: Orphanet 791, MedGen C0035334, MeSH D012174, MONDO:0019200, OMIM 268000. Inheritance: Autosomal dominant, autosomal recessive and X linked inheritance.

Allele frequency attached by ClinVar (database versions not stated): gnomAD exomes 0.00001 and 0.00002; ExAC 0.00002; gnomAD 0.00002; TOPMed 0.00002; ESP Exome Variant Server 0.00015.
gnomAD v4.1: 22 of 1,614,098 alleles (0.0014%); highest among the groups gnomAD compares: Middle Eastern, 0.049%; 1 homozygote.

Submissions (6):

Lab De Baere, Eye and Developmental Genetics Lab, Ghent University
Classification: Uncertain significance for Retinitis pigmentosa. Last evaluated: 2024-10-01. Review status: criteria provided, single submitter. Criteria: ACMG Guidelines, 2015. Collection method: research. Allele origin: inherited. Affected: yes. Observed: 1 variant allele.
Comment: ACMG/AMP guidelines: PM2

Women's Health and Genetics/Laboratory Corporation of America, LabCorp
Classification: Uncertain significance. Last evaluated: 2024-06-05. Review status: criteria provided, single submitter. Criteria: LabCorp Variant Classification Summary - May 2015. Collection method: clinical testing. Allele origin: germline.
Comment: Variant summary: ABCA4 c.3755A>T (p.Glu1252Val) results in a non-conservative amino acid change in the encoded protein sequence. Three of five in-silico tools predict a benign effect of the variant on protein function. The variant allele was found at a frequency of 2e-05 in 251366 control chromosomes. c.3755A>T has been reported in the literature in the compound heterozygous state in individuals affected with ABCA4-related disorders (e.g. Kadyshev_2023). These data indicate that the variant may be associated with disease. To our knowledge, no experimental evidence demonstrating an impact on protein function has been reported. The following publication have been ascertained in the context of this evaluation (PMID: 38003421). ClinVar contains an entry for this variant (Variation ID: 501982). Based on the evidence outlined above, the variant was classified as VUS-possibly pathogenic.

Blueprint Genetics
Classification: Uncertain significance. Last evaluated: 2023-06-12. Review status: criteria provided, single submitter. Criteria: ACMG Guidelines, 2015. Collection method: clinical testing. Allele origin: germline.

Labcorp Genetics (formerly Invitae), Labcorp
Classification: Uncertain significance. Last evaluated: 2021-11-11. Review status: criteria provided, single submitter. Criteria: Invitae Variant Classification Sherloc (09022015). Collection method: clinical testing. Allele origin: germline.
Comment: This sequence change replaces glutamic acid, which is acidic and polar, with valine, which is neutral and non-polar, at codon 1252 of the ABCA4 protein (p.Glu1252Val). This variant is present in population databases (rs377098736, gnomAD 0.007%). This variant has not been reported in the literature in individuals affected with ABCA4-related conditions. ClinVar contains an entry for this variant (Variation ID: 501982). Algorithms developed to predict the effect of missense changes on protein structure and function (SIFT, PolyPhen-2, Align-GVGD) all suggest that this variant is likely to be disruptive. Algorithms developed to predict the effect of sequence changes on RNA splicing suggest that this variant may create or strengthen a splice site. In summary, the available evidence is currently insufficient to determine the role of this variant in disease. Therefore, it has been classified as a Variant of Uncertain Significance.

Illumina Laboratory Services, Illumina
Classification: Uncertain significance for ABCA4-Related Disorders. Last evaluated: 2018-01-12. Review status: criteria provided, single submitter. Criteria: ICSL Variant Classification Criteria 13 December 2019. Collection method: clinical testing. Allele origin: germline.

Eurofins Ntd Llc (ga)
Classification: Uncertain significance. Last evaluated: 2017-05-12. Review status: criteria provided, single submitter. Criteria: EGL Classification Definitions 2015. Collection method: clinical testing. Allele origin: germline. Observed: 1 variant allele, 1 heterozygote.

Literature cited by the submitters: PubMed 38003421 (cited by Women's Health and Genetics/Laboratory Corporation of America, LabCorp).

NM_000350.3(ABCA4):c.3755A>T (p.Glu1252Val)

Genes: ABCA4 (ATP binding cassette subfamily A member 4; minus strand), LOC126805794 (BRD4-independent group 4 enhancer GRCh37_chr1:94502188-94503387; plus strand). Cytogenetic location: 1p22.1.
Variant type: single nucleotide variant.
Coding change: c.3755A>T on transcript NM_000350.3 (MANE Select); coding-DNA position 3755, A replaced by T.
Protein change: p.Glu1252Val; replaces glutamic acid 1252 with valine.
Molecular consequence: missense variant.
Genome position (GRCh38, 1-based): chr1:94,037,203, T>A on the plus strand (A>T on the coding strand, the complement: ABCA4 is on the minus strand). VCF-style: chr1-94037203-T-A. GRCh37 (hg19) VCF-style: chr1-94502759-T-A.
Other names: c.3533A>T, p.Glu1178Val (NM_001425324.1); short protein forms E1252V, E1178V.
Identifiers: ClinVar variation 501982 (VCV000501982.14), dbSNP rs377098736, ClinGen allele CA957840.